The following is an entry in ClinVar:

NM_058216.3(RAD51C):c.783A>G (p.Leu261=)

Gene: RAD51C (RAD51 paralog C; plus strand). Cytogenetic location: 17q22.
Variant type: single nucleotide variant.
Coding change: c.783A>G on transcript NM_058216.3 (MANE Select); coding-DNA position 783, A replaced by G.
Protein change: p.Leu261=; no amino-acid change (leucine 261 retained).
Molecular consequence: synonymous variant. On other transcripts: non-coding transcript variant (1).
Genome position (GRCh38, 1-based): chr17:58,709,936, A>G. VCF-style: chr17-58709936-A-G. GRCh37 (hg19) VCF-style: chr17-56787297-A-G.
Identifiers: ClinVar variation 184589 (VCV000184589.30), dbSNP rs138643096, ClinGen allele CA333852.

ClinVar aggregate classification (germline): Benign/Likely benign. Review status: criteria provided, multiple submitters, no conflicts (2 of 4 stars). 11 submissions from 11 submitters: Benign (1); Likely benign (8). 2 of the submissions do not count toward it. Last evaluated 2026-01-28.

Conditions:
RAD51C-related disorder. Also called: RAD51C-related disorders; RAD51C-related condition.
Breast-ovarian cancer, familial, susceptibility to, 3. Also called: RAD51C-Related Breast/Ovarian Cancer. Identifiers: Orphanet 145, MedGen C3150659, MONDO:0013253, OMIM 613399.
Hereditary cancer-predisposing syndrome. Also called: Tumor predisposition; Hereditary Cancer Syndrome; Hereditary neoplastic syndrome; Neoplastic Syndromes, Hereditary. Identifiers: Orphanet 140162, MedGen C0027672, MeSH D009386, MONDO:0015356.
Hereditary breast ovarian cancer syndrome. Also called: Breast and ovarian cancer; Hereditary breast and ovarian cancer syndrome; Hereditary breast and ovarian cancer; BRCA1- and BRCA2-Associated Hereditary Breast and Ovarian Cancer; Hereditary breast and ovarian cancer syndrome (HBOC); Hereditary breast and/or ovarian cancer syndrome. Identifiers: Orphanet 145, MedGen C0677776, MeSH D061325, MONDO:0003582. Disease mechanism: loss of function.
Fanconi anemia complementation group O. Also called: RAD51C-Related Fanconi Anemia. Identifiers: Orphanet 84, MedGen C3150653, MONDO:0013248, OMIM 613390.

Allele frequency attached by ClinVar (database versions not stated): gnomAD exomes 0.00002 and 0.00005; TOPMed 0.00002; gnomAD 0.00003; ExAC 0.00004; ESP Exome Variant Server 0.00008.
gnomAD v4.1: 30 of 1,612,788 alleles (0.0019%); highest among the groups gnomAD compares: Admixed American, 0.0033%; no homozygotes.

Submissions (11):

Labcorp Genetics (formerly Invitae), Labcorp
Classification: Likely benign for Fanconi anemia complementation group O. Last evaluated: 2026-01-28. Review status: criteria provided, single submitter. Criteria: Invitae Variant Classification Sherloc (09022015). Collection method: clinical testing. Allele origin: germline.

Myriad Genetics, Inc.
Classification: Benign for Breast-ovarian cancer, familial, susceptibility to, 3. Last evaluated: 2025-02-19. Review status: criteria provided, single submitter. Criteria: Myriad Autosomal Dominant, Autosomal Recessive and X-Linked Classification Criteria (2023). Collection method: clinical testing. Allele origin: unknown.
Comment: This variant is considered benign. This variant is a silent/synonymous amino acid change and it is not expected to impact splicing.

Institute for Biomarker Research, Medical Diagnostic Laboratories, L.L.C.
Classification: Likely benign for Hereditary breast ovarian cancer syndrome. Last evaluated: 2024-11-12. Review status: criteria provided, single submitter. Criteria: ACMG Guidelines, 2015. Collection method: clinical testing. Allele origin: germline.
Comment: The synonymous variant NM_058216.3(RAD51C):c.783A>G (p.Leu261=) has been reported to ClinVar as Likely benign with a status of (2 stars) criteria provided, multiple submitters, no conflicts (Variation ID 184589 as of 2024-10-03). The p.Leu261= variant is not predicted to disrupt an existing splice site. The p.Leu261= variant results in a substitution of a base that is not predicted conserved by GERP++ and PhyloP. For these reasons, this variant has been classified as Likely Benign

Women's Health and Genetics/Laboratory Corporation of America, LabCorp
Classification: Likely benign. Last evaluated: 2024-06-07. Review status: criteria provided, single submitter. Criteria: LabCorp Variant Classification Summary - May 2015. Collection method: clinical testing. Allele origin: germline.

Sema4
Classification: Likely benign for Hereditary cancer-predisposing syndrome. Last evaluated: 2021-03-12. Review status: criteria provided, single submitter. Criteria: Sema4 Curation Guidelines. Collection method: curation. Allele origin: germline.

GeneDx
Classification: Likely benign. Last evaluated: 2019-12-25. Review status: criteria provided, single submitter. Criteria: GeneDx Variant Classification Process June 2021. Collection method: clinical testing. Allele origin: germline. Affected: yes.

Quest Diagnostics Nichols Institute San Juan Capistrano
Classification: Likely benign. Last evaluated: 2017-06-23. Review status: criteria provided, single submitter. Criteria: Quest Diagnostics criteria. Collection method: clinical testing. Allele origin: unknown.

Color Diagnostics, LLC DBA Color Health
Classification: Likely benign for Hereditary cancer-predisposing syndrome. Last evaluated: 2015-12-28. Review status: criteria provided, single submitter. Criteria: ACMG Guidelines, 2015. Collection method: clinical testing. Allele origin: germline.

Ambry Genetics
Classification: Likely benign for Hereditary cancer-predisposing syndrome. Last evaluated: 2015-01-05. Review status: criteria provided, single submitter. Criteria: Ambry Variant Classification Scheme 2023. Collection method: clinical testing. Allele origin: germline.

PreventionGenetics, part of Exact Sciences
Classification: Likely benign for RAD51C-related condition. Last evaluated: 2024-02-22. Review status: no assertion criteria provided. Collection method: clinical testing. Allele origin: germline. Not counted in ClinVar's aggregate classification.
Comment: This variant is classified as likely benign based on ACMG/AMP sequence variant interpretation guidelines (Richards et al. 2015 PMID: 25741868, with internal and published modifications).

Leiden Open Variation Database
Classification: Likely benign. Last evaluated: 2014-11-02. Review status: no assertion criteria provided. Collection method: curation. Allele origin: germline. Affected: yes. Not counted in ClinVar's aggregate classification.
Comment: Curator: Arleen D. Auerbach. Submitter to LOVD: Christine Rappaport.